The following is an entry in ClinVar:

NM_057175.5(NAA15):c.902T>A (p.Leu301Ter)

Gene: NAA15 (N-alpha-acetyltransferase 15, NatA auxiliary subunit; plus strand). Cytogenetic location: 4q31.1.
Variant type: single nucleotide variant.
Coding change: c.902T>A on transcript NM_057175.5 (MANE Select); coding-DNA position 902, T replaced by A.
Protein change: p.Leu301Ter; replaces leucine 301 with a stop codon.
Molecular consequence: nonsense.
Genome position (GRCh38, 1-based): chr4:139,351,281, T>A. VCF-style: chr4-139351281-T-A. GRCh37 (hg19) VCF-style: chr4-140272435-T-A.
Other names: c.902T>A, p.Leu301Ter (NM_001410842.1); short protein forms L301*.
Identifiers: ClinVar variation 5037955 (VCV005037955.1).

ClinVar aggregate classification (germline): Likely pathogenic (1 of 4 stars; one submission).

Conditions:
Intellectual developmental disorder, autosomal dominant 50, with behavioral abnormalities. Also called: MENTAL RETARDATION, AUTOSOMAL DOMINANT 50; Intellectual disability, autosomal dominant 50. Identifiers: MedGen C4540470, MONDO:0030916, OMIM 617787.

Submission:

Center for Human Genetics and Genomic Medicine, Uniklinik Rwth Aachen
Classification: Likely pathogenic for Intellectual developmental disorder, autosomal dominant 50, with behavioral abnormalities. Last evaluated: 2026-10-01. Review status: criteria provided, single submitter. Criteria: ACMG Guidelines, 2015. Collection method: clinical testing. Allele origin: unknown. Inheritance: Autosomal dominant inheritance. Affected: yes. Observed: 1 variant allele, 1 heterozygote.
Comment: This variant has not previously been reported in the literature or the ClinVar database. To date, it has not been detected in the general population (gnomAD v4.1.1) (PM2_Supporting). It is a nonsense variant that typically leads to either premature termination of translation or nonsense-mediated mRNA decay. In both cases, a loss of protein function occurs (PVS1). Haploinsufficiency intolerance has been described as the pathomechanism for the NAA15 gene.